The following is an entry in ClinVar:

ClinVar aggregate classification (germline): Uncertain significance. Review status: criteria provided, multiple submitters, no conflicts (2 of 4 stars). 2 submissions from 2 submitters: Uncertain significance (2). Last evaluated 2024-05-10.

Conditions:
Cardiovascular phenotype. Identifiers: MedGen CN230736.
RASopathy. Also called: Noonan spectrum disorder; rasopathies. Identifiers: Orphanet 536391, MedGen C5555857, MONDO:0021060.

Allele frequency attached by ClinVar (database versions not stated): gnomAD exomes below 0.00001; gnomAD 0.00001; TOPMed 0.00002.
gnomAD v4.1: 2 of 1,576,946 alleles (0.00013%); highest among the groups gnomAD compares: African/African-American, 0.0013%; no homozygotes.

Submissions (2):

Labcorp Genetics (formerly Invitae), Labcorp
Classification: Uncertain significance for RASopathy. Last evaluated: 2024-05-10. Review status: criteria provided, single submitter. Criteria: Invitae Variant Classification Sherloc (09022015). Collection method: clinical testing. Allele origin: germline.
Comment: This sequence change replaces serine, which is neutral and polar, with cysteine, which is neutral and slightly polar, at codon 232 of the SOS1 protein (p.Ser232Cys). This variant is not present in population databases (gnomAD no frequency). This variant has not been reported in the literature in individuals affected with SOS1-related conditions. ClinVar contains an entry for this variant (Variation ID: 2453701). Advanced modeling of protein sequence and biophysical properties (such as structural, functional, and spatial information, amino acid conservation, physicochemical variation, residue mobility, and thermodynamic stability) has been performed at Invitae for this missense variant, however the output from this modeling did not meet the statistical confidence thresholds required to predict the impact of this variant on SOS1 protein function. In summary, the available evidence is currently insufficient to determine the role of this variant in disease. Therefore, it has been classified as a Variant of Uncertain Significance.

Ambry Genetics
Classification: Uncertain significance for Cardiovascular phenotype. Last evaluated: 2023-02-10. Review status: criteria provided, single submitter. Criteria: Ambry Variant Classification Scheme 2023. Collection method: clinical testing. Allele origin: germline.
Comment: The p.S232C variant (also known as c.695C>G), located in coding exon 5 of the SOS1 gene, results from a C to G substitution at nucleotide position 695. The serine at codon 232 is replaced by cysteine, an amino acid with dissimilar properties. This amino acid position is conserved. In addition, this alteration is predicted to be tolerated by in silico analysis. Since supporting evidence is limited at this time, the clinical significance of this alteration remains unclear.

NM_005633.4(SOS1):c.695C>G (p.Ser232Cys)

Gene: SOS1 (SOS Ras/Rac guanine nucleotide exchange factor 1; minus strand). Cytogenetic location: 2p22.1.
Variant type: single nucleotide variant.
Coding change: c.695C>G on transcript NM_005633.4 (MANE Select); coding-DNA position 695, C replaced by G.
Protein change: p.Ser232Cys; replaces serine 232 with cysteine.
Molecular consequence: missense variant.
Genome position (GRCh38, 1-based): chr2:39,054,639, G>C on the plus strand (C>G on the coding strand, the complement: SOS1 is on the minus strand). VCF-style: chr2-39054639-G-C. GRCh37 (hg19) VCF-style: chr2-39281780-G-C.
Other names: c.674C>G, p.Ser225Cys (NM_001382394.1); c.695C>G, p.Ser232Cys (NM_001382395.1); short protein forms S225C, S232C.
Identifiers: ClinVar variation 2453701 (VCV002453701.4), dbSNP rs1414554842, ClinGen allele CA346372956.